The following is an entry in ClinVar:

ClinVar aggregate classification (germline): Uncertain significance (1 of 4 stars; one submission).

Submission:

Women's Health and Genetics/Laboratory Corporation of America, LabCorp
Classification: Uncertain significance. Last evaluated: 2025-12-19. Review status: criteria provided, single submitter. Criteria: LabCorp Variant Classification Summary - May 2015. Collection method: clinical testing. Allele origin: germline.
Comment: Variant summary: MMAB c.348+3_348+6delGAGT alters a conserved nucleotide located close to a canonical splice site and therefore could affect mRNA splicing, leading to a significantly altered protein sequence. Several computational tools predict a significant impact on normal splicing: Three predict the variant abolishes a 5' splicing donor site and one predicts the variant weakens a 5' donor site. However, these predictions have yet to be confirmed by functional studies. The variant was absent in 251472 control chromosomes. The available data on variant occurrences in the general population are insufficient to allow any conclusion about variant significance. To our knowledge, no occurrence of c.348+3_348+6delGAGT in individuals affected with MMAB-related conditions and no experimental evidence demonstrating its impact on protein function have been reported. No submitters have cited clinical-significance assessments for this variant to ClinVar. Based on the evidence outlined above, the variant was classified as uncertain significance.

NM_052845.4(MMAB):c.348+3_348+6del

Gene: MMAB (metabolism of cobalamin associated B; minus strand). Cytogenetic location: 12q24.11.
Variant type: Deletion.
Coding change: c.348+3_348+6del on transcript NM_052845.4 (MANE Select); bases 3 to 6 of the intron after coding-DNA position 348, 4 bases deleted (GAGT; older notation c.348+3_348+6delGAGT).
Molecular consequence: splice donor variant.
Genome position (GRCh38, 1-based): chr12:109,565,113-109,565,116, ACTC deleted on the plus strand (GAGT on the coding strand, the reverse complement: MMAB is on the minus strand); deleting any 4 consecutive bases within chr12:109,565,113-109,565,119 gives the same sequence; the c. name uses the placement nearest the transcript's 3' end. VCF-style (leftmost placement, unchanged base first): chr12-109565112-TACTC-T. GRCh37 (hg19) VCF-style: chr12-110002917-TACTC-T.
Other names: c.348+3_348+6delGAGT (NM_052845.4).
Identifiers: ClinVar variation 4688193 (VCV004688193.1).
Genomic context (GRCh38, chr12:109,565,112, plus strand): 5'-GATGCTGAGTCCCGTGATGGCCACCGGGGCTGAAGATTCCCAGCTTGGGTGAGATGGTGT[TACTC>T]ACTTTCTGAAGCTCTTCGGCAAATGTATGGCCCTTTTCTGTGACTAATTCCAGAGCAAAC-3'